The following is an entry in ClinVar:

ClinVar aggregate classification (germline): Uncertain significance (1 of 4 stars; one submission).

Submission:

GeneDx
Classification: Uncertain significance. Last evaluated: 2022-10-16. Review status: criteria provided, single submitter. Criteria: GeneDx Variant Classification Process June 2021. Collection method: clinical testing. Allele origin: germline. Affected: yes.
Comment: Not observed at significant frequency in large population cohorts (gnomAD); In silico analysis supports that this missense variant does not alter protein structure/function; Has not been previously published as pathogenic or benign to our knowledge

NM_002109.6(HARS1):c.709T>G (p.Ser237Ala)

Gene: HARS1 (histidyl-tRNA synthetase 1; minus strand). Cytogenetic location: 5q31.3.
Variant type: single nucleotide variant.
Coding change: c.709T>G on transcript NM_002109.6 (MANE Select); coding-DNA position 709, T replaced by G.
Protein change: p.Ser237Ala; replaces serine 237 with alanine.
Molecular consequence: missense variant.
Genome position (GRCh38, 1-based): chr5:140,677,675, A>C on the plus strand (T>G on the coding strand, the complement: HARS1 is on the minus strand). VCF-style: chr5-140677675-A-C. GRCh37 (hg19) VCF-style: chr5-140057260-A-C.
Other names: c.487T>G, p.Ser163Ala (NM_001289092.2); c.367T>G, p.Ser123Ala (NM_001289093.2); c.622T>G, p.Ser208Ala (NM_001289094.2); c.589T>G, p.Ser197Ala (NM_001258040.3); c.649T>G, p.Ser217Ala (NM_001258041.3); c.529T>G, p.Ser177Ala (NM_001258042.3); short protein forms S123A, S163A, S177A, S197A, S208A, S217A, S237A.
Identifiers: ClinVar variation 2501592 (VCV002501592.1), dbSNP rs2481255855, ClinGen allele CA361254675.